The following is an entry in ClinVar:

NM_024301.5(FKRP):c.1268G>C (p.Arg423Pro)

Gene: FKRP (fukutin related protein; plus strand). Cytogenetic location: 19q13.32.
Variant type: single nucleotide variant.
Coding change: c.1268G>C on transcript NM_024301.5 (MANE Select); coding-DNA position 1268, G replaced by C.
Protein change: p.Arg423Pro; replaces arginine 423 with proline.
Molecular consequence: missense variant.
Genome position (GRCh38, 1-based): chr19:46,756,718, G>C. VCF-style: chr19-46756718-G-C. GRCh37 (hg19) VCF-style: chr19-47259975-G-C.
Other names: c.1268G>C, p.Arg423Pro (NM_001039885.3); short protein forms R423P.
Identifiers: ClinVar variation 282281 (VCV000282281.7), dbSNP rs886042367, ClinGen allele CA10604132.

ClinVar aggregate classification (germline): Uncertain significance. Review status: criteria provided, multiple submitters, no conflicts (2 of 4 stars). 2 submissions from 2 submitters: Uncertain significance (2). Last evaluated 2022-05-08.

Conditions:
Walker-Warburg congenital muscular dystrophy. Also called: Muscular dystrophy-dystroglycanopathy, type A; Walker-Warburg syndrome. Identifiers: Orphanet 899, MedGen C0265221, MONDO:0000171.

Allele frequency attached by ClinVar (database versions not stated): gnomAD exomes below 0.00001.
gnomAD v4.1: 2 of 1,611,330 alleles (0.00012%); highest among the groups gnomAD compares: Non-Finnish European, 0.00017%; no homozygotes.

Submissions (2):

Labcorp Genetics (formerly Invitae), Labcorp
Classification: Uncertain significance for Walker-Warburg congenital muscular dystrophy. Last evaluated: 2022-05-08. Review status: criteria provided, single submitter. Criteria: Invitae Variant Classification Sherloc (09022015). Collection method: clinical testing. Allele origin: germline.
Comment: This sequence change replaces arginine, which is basic and polar, with proline, which is neutral and non-polar, at codon 423 of the FKRP protein (p.Arg423Pro). The frequency data for this variant in the population databases is considered unreliable, as metrics indicate poor data quality at this position in the gnomAD database. This variant has not been reported in the literature in individuals affected with FKRP-related conditions. ClinVar contains an entry for this variant (Variation ID: 282281). Algorithms developed to predict the effect of missense changes on protein structure and function are either unavailable or do not agree on the potential impact of this missense change (SIFT: "Tolerated"; PolyPhen-2: "Possibly Damaging"; Align-GVGD: "Class C0"). In summary, the available evidence is currently insufficient to determine the role of this variant in disease. Therefore, it has been classified as a Variant of Uncertain Significance.

Eurofins Ntd Llc (ga)
Classification: Uncertain significance. Last evaluated: 2015-08-13. Review status: criteria provided, single submitter. Criteria: EGL Classification Definitions 2015. Collection method: clinical testing. Allele origin: germline. Observed: 1 variant allele, 1 heterozygote.